The following is an entry in ClinVar:

NM_014915.3(ANKRD26):c.1342A>G (p.Ile448Val)

Gene: ANKRD26 (ankyrin repeat domain 26; minus strand). Cytogenetic location: 10p12.1.
Variant type: single nucleotide variant.
Coding change: c.1342A>G on transcript NM_014915.3 (MANE Select); coding-DNA position 1342, A replaced by G.
Protein change: p.Ile448Val; replaces isoleucine 448 with valine.
Molecular consequence: missense variant.
Genome position (GRCh38, 1-based): chr10:27,064,009, T>C on the plus strand (A>G on the coding strand, the complement: ANKRD26 is on the minus strand). VCF-style: chr10-27064009-T-C. GRCh37 (hg19) VCF-style: chr10-27352938-T-C.
Other names: c.1342A>G, p.Ile448Val (NM_001256053.2); short protein forms I448V.
Identifiers: ClinVar variation 5022924 (VCV005022924.1).

ClinVar aggregate classification (germline): Uncertain significance (1 of 4 stars; one submission).

Conditions:
Inborn genetic diseases. Identifiers: MedGen C0950123, MeSH D030342.

gnomAD v4.1: 1 of 1,610,042 alleles (0.000062%); highest among the groups gnomAD compares: South Asian, 0.0011%; no homozygotes.

Submission:

Ambry Genetics
Classification: Uncertain significance for Inborn genetic diseases. Last evaluated: 2026-06-29. Review status: criteria provided, single submitter. Criteria: Ambry Variant Classification Scheme 2023. Collection method: clinical testing. Allele origin: germline.
Comment: The p.I448V variant (also known as c.1342A>G), located in coding exon 12 of the ANKRD26 gene, results from an A to G substitution at nucleotide position 1342. The isoleucine at codon 448 is replaced by valine, an amino acid with highly similar properties. This amino acid position is conserved. In addition, this alteration is predicted to be tolerated by in silico analysis. Based on the available evidence, the clinical significance of this variant remains unclear.